The following is an entry in ClinVar:

ClinVar aggregate classification (germline): Conflicting classifications of pathogenicity. Review status: criteria provided, conflicting classifications (1 of 4 stars). 9 submissions from 9 submitters: Uncertain significance (8); Benign (1). Last evaluated 2026-02-20.

Conditions:
DIS3L2-related disorder. Also called: DIS3L2-related condition.
Inborn genetic diseases. Identifiers: MedGen C0950123, MeSH D030342.
Perlman syndrome (PRLMNS). Identifiers: Orphanet 2849, MedGen C0796113, MONDO:0009965, OMIM 267000.

Allele frequency attached by ClinVar (database versions not stated): ESP Exome Variant Server 0.00008; ExAC 0.00015; gnomAD exomes 0.00020 and 0.00039; 1000 Genomes Project 0.00040; gnomAD 0.00040 and 0.00041; 1000 Genomes Project 30x 0.00047; TOPMed 0.00051.
gnomAD v4.1: 630 of 1,613,772 alleles (0.039%); highest among the groups gnomAD compares: Non-Finnish European, 0.048%; no homozygotes.

Submissions (9):

St. Jude Molecular Pathology, St. Jude Children's Research Hospital
Classification: Uncertain significance for Perlman syndrome. Last evaluated: 2026-02-20. Review status: criteria provided, single submitter. Criteria: St. Jude Assertion Criteria 2020. Collection method: clinical testing. Allele origin: germline.
Comment: The DIS3L2 c.1722G>T p.(Glu574Asp) missense change has a maximum subpopulation frequency of 0.038% in gnomAD v2.1.1. The in silico tool REVEL predicts a benign effect on protein function, but to our knowledge this prediction has not been confirmed by functional studies. To our knowledge, this variant has not been reported in the l iterature in individuals with Perlman syndrome. In summary, the evidence currently available is insufficient to determine the clinical significance of this variant. It has therefore been classified as of uncertain significance.

Labcorp Genetics (formerly Invitae), Labcorp
Classification: Benign for Perlman syndrome. Last evaluated: 2025-11-24. Review status: criteria provided, single submitter. Criteria: Invitae Variant Classification Sherloc (09022015). Collection method: clinical testing. Allele origin: germline.

PreventionGenetics, part of Exact Sciences
Classification: Uncertain significance for DIS3L2-related condition. Last evaluated: 2025-04-04. Review status: criteria provided, single submitter. Criteria: ACMG Guidelines, 2015. Collection method: clinical testing. Allele origin: germline.
Comment: The DIS3L2 c.1722G>T variant is predicted to result in the amino acid substitution p.Glu574Asp. To our knowledge, this variant has not been reported in the literature. This variant is reported in 0.038% of alleles in individuals of European (Non-Finnish) descent in gnomAD, and has conflicting interpretations regarding its pathogenicity in ClinVar, ranging from benign to uncertain. At this time, the clinical significance of this variant is uncertain due to the absence of conclusive functional and genetic evidence.

Fulgent Genetics
Classification: Uncertain significance for Perlman syndrome. Last evaluated: 2024-06-15. Review status: criteria provided, single submitter. Criteria: ACMG Guidelines, 2015. Collection method: clinical testing. Allele origin: germline.

Mayo Clinic Laboratories, Mayo Clinic
Classification: Uncertain significance. Last evaluated: 2022-07-21. Review status: criteria provided, single submitter. Criteria: ACMG Guidelines, 2015. Collection method: clinical testing. Allele origin: germline. Observed: 1 variant allele.
Comment: BP4

Ambry Genetics
Classification: Uncertain significance for Inborn genetic diseases. Last evaluated: 2021-11-19. Review status: criteria provided, single submitter. Criteria: Ambry Variant Classification Scheme 2023. Collection method: clinical testing. Allele origin: germline.

Genetic Services Laboratory, University of Chicago
Classification: Uncertain significance. Last evaluated: 2021-11-19. Review status: criteria provided, single submitter. Criteria: ACMG Guidelines, 2015. Collection method: clinical testing. Allele origin: germline. Affected: no.
Comment: DNA sequence analysis of the DIS3L2 gene demonstrated a sequence change, c.1722G>T, in exon 14 that results in an amino acid change, p.Glu574Asp. This sequence change has been described in the gnomAD database with a frequency of 0.038% in the non-Finnish European subpopulation (dbSNP rs191608083). The p.Glu574Asp change affects a poorly conserved amino acid residue located in a domain of the DIS3L2 protein that is not known to be functional. In-silico pathogenicity prediction tools (SIFT, PolyPhen2, Align GVGD, REVEL) provide contradictory results for the p.Glu574Asp substitution. This sequence change does not appear to have been previously described in individuals with DIS3L2-related disorders. Due to insufficient evidences and the lack of functional studies, the clinical significance of the p.Glu574Asp change remains unknown at this time.

Sema4
Classification: Uncertain significance for Perlman syndrome. Last evaluated: 2021-08-13. Review status: criteria provided, single submitter. Criteria: Sema4 Curation Guidelines. Collection method: curation. Allele origin: germline.
Comment: To the best of our knowledge, the DIS3L2 c.1722G>T (p.E574D) variant has not been reported in individuals with DIS3L2-related disease. This variant was observed in 49/128276 chromosomes in the Non-Finnish European subpopulation, according to the Genome Aggregation Database (PMID: 32461654). The variant has been reported in ClinVar (Variation ID 410736). Functional studies have not been performed, and in silico predictions of the variant's effect on protein function are inconclusive. The evidence is insufficient to meet ACMG/AMP criteria for classifying the variant as benign or pathogenic. Thus, the clinical significance of this variant is currently uncertain.

Department of Pathology and Laboratory Medicine, Sinai Health System
Classification: Uncertain significance for Perlman syndrome. Last evaluated: 2021-07-30. Review status: criteria provided, single submitter. Criteria: ACMG Guidelines, 2015. Collection method: research. Allele origin: germline.

NM_152383.5(DIS3L2):c.1722G>T (p.Glu574Asp)

Gene: DIS3L2 (DIS3 like 3'-5' exoribonuclease 2; plus strand). Cytogenetic location: 2q37.1.
Variant type: single nucleotide variant.
Coding change: c.1722G>T on transcript NM_152383.5 (MANE Select); coding-DNA position 1722, G replaced by T.
Protein change: p.Glu574Asp; replaces glutamic acid 574 with aspartic acid.
Molecular consequence: missense variant. On other transcripts: non-coding transcript variant (2), intron variant (1).
Genome position (GRCh38, 1-based): chr2:232,300,102, G>T. VCF-style: chr2-232300102-G-T. GRCh37 (hg19) VCF-style: chr2-233164812-G-T.
Other names: p.Glu574Asp; c.1581+36740G>T (NM_001257281.2); short protein forms E574D.
Identifiers: ClinVar variation 410736 (VCV000410736.22), dbSNP rs191608083, ClinGen allele CA2164242.